The following is an entry in ClinVar:

NM_001365951.3(KIF1B):c.2975G>A (p.Arg992Lys)

Gene: KIF1B (kinesin family member 1B; plus strand). Cytogenetic location: 1p36.22.
Variant type: single nucleotide variant.
Coding change: c.2975G>A on transcript NM_001365951.3 (MANE Select); coding-DNA position 2975, G replaced by A.
Protein change: p.Arg992Lys; replaces arginine 992 with lysine.
Molecular consequence: missense variant.
Genome position (GRCh38, 1-based): chr1:10,334,570, G>A. VCF-style: chr1-10334570-G-A. GRCh37 (hg19) VCF-style: chr1-10394628-G-A.
Other names: c.2975G>A, p.Arg992Lys (NM_001365952.1); c.2837G>A, p.Arg946Lys (NM_015074.3); short protein forms R946K, R992K.
Identifiers: ClinVar variation 3288415 (VCV003288415.1).

ClinVar aggregate classification (germline): Uncertain significance (1 of 4 stars; one submission).

Submission:

Ambry Genetics
Classification: Uncertain significance. Last evaluated: 2024-04-23. Review status: criteria provided, single submitter. Criteria: Ambry Variant Classification Scheme 2023. Collection method: clinical testing. Allele origin: germline.
Comment: The p.R946K variant (also known as c.2837G>A), located in coding exon 25 of the KIF1B gene, results from a G to A substitution at nucleotide position 2837. The arginine at codon 946 is replaced by lysine, an amino acid with highly similar properties. This amino acid position is highly conserved in available vertebrate species. In addition, this alteration is predicted to be tolerated by in silico analysis. The evidence for this gene-disease relationship is limited; therefore, the clinical significance of this alteration is unclear.